The following is an entry in ClinVar:

NM_004329.3(BMPR1A):c.51C>T (p.Ile17=)

Gene: BMPR1A (bone morphogenetic protein receptor type 1A; plus strand). Cytogenetic location: 10q23.2.
Variant type: single nucleotide variant.
Coding change: c.51C>T on transcript NM_004329.3 (MANE Select); coding-DNA position 51, C replaced by T.
Protein change: p.Ile17=; no amino-acid change (isoleucine 17 retained).
Molecular consequence: synonymous variant. On other transcripts: 5 prime UTR variant (1), non-coding transcript variant (3), intron variant (4).
Genome position (GRCh38, 1-based): chr10:86,876,069, C>T. VCF-style: chr10-86876069-C-T. GRCh37 (hg19) VCF-style: chr10-88635826-C-T.
Other names: c.51C>T, p.Ile17= (NM_001406559.1, NM_001406560.1, NM_001406561.1 and 23 more transcripts); c.-29C>T (NM_001406588.1); c.-17-13993C>T (NM_001406584.1, NM_001406587.1, NM_001406585.1); c.-12-13998C>T (NM_001406586.1).
Identifiers: ClinVar variation 1746015 (VCV001746015.5), dbSNP rs2539351000, ClinGen allele CA470365459.

ClinVar aggregate classification (germline): Conflicting classifications of pathogenicity. Review status: criteria provided, conflicting classifications (1 of 4 stars). 4 submissions from 4 submitters: Uncertain significance (1); Benign (1); Likely benign (2). Last evaluated 2025-11-10.

Conditions:
Hereditary cancer-predisposing syndrome. Also called: Neoplastic Syndromes, Hereditary; Tumor predisposition; Hereditary Cancer Syndrome; Hereditary neoplastic syndrome. Identifiers: Orphanet 140162, MedGen C0027672, MeSH D009386, MONDO:0015356.
Juvenile polyposis syndrome (JPS). Identifiers: Orphanet 2929, MedGen C0345893, MONDO:0017380, OMIM 174900.

Submissions (4):

Labcorp Genetics (formerly Invitae), Labcorp
Classification: Likely benign for Juvenile polyposis syndrome. Last evaluated: 2025-11-10. Review status: criteria provided, single submitter. Criteria: Invitae Variant Classification Sherloc (09022015). Collection method: clinical testing. Allele origin: germline.

Myriad Genetics, Inc.
Classification: Benign for Juvenile polyposis syndrome. Last evaluated: 2024-07-30. Review status: criteria provided, single submitter. Criteria: Myriad Autosomal Dominant, Autosomal Recessive and X-Linked Classification Criteria (2023). Collection method: clinical testing. Allele origin: unknown.
Comment: This variant is considered benign. This variant is a silent/synonymous amino acid change and it is not expected to impact splicing.

GeneDx
Classification: Uncertain significance. Last evaluated: 2022-12-13. Review status: criteria provided, single submitter. Criteria: GeneDx Variant Classification Process June 2021. Collection method: clinical testing. Allele origin: germline. Affected: yes.
Comment: Not observed at significant frequency in large population cohorts (gnomAD); In silico analysis supports that this variant does not alter splicing; Has not been previously published as pathogenic or benign to our knowledge

Ambry Genetics
Classification: Likely benign for Hereditary cancer-predisposing syndrome. Last evaluated: 2021-04-01. Review status: criteria provided, single submitter. Criteria: Ambry Variant Classification Scheme 2023. Collection method: clinical testing. Allele origin: germline.